The following is an entry in ClinVar:

ClinVar aggregate classification (germline): Uncertain significance (1 of 4 stars; one submission).

Submission:

Labcorp Genetics (formerly Invitae), Labcorp
Classification: Uncertain significance. Last evaluated: 2021-08-27. Review status: criteria provided, single submitter. Criteria: Invitae Variant Classification Sherloc (09022015). Collection method: clinical testing. Allele origin: germline.
Comment: Experimental studies and prediction algorithms are not available or were not evaluated, and the functional significance of this variant is currently unknown. This variant has not been reported in the literature in individuals affected with ARIH1-related conditions. A copy number gain of the genomic region encompassing the full coding sequence of the ARIH1 gene has been identified. The boundaries of this event are unknown as they extend beyond the assayed region for this gene and therefore may encompass additional genes. As the precise location of this event is unknown, it may be in tandem or it may be located elsewhere in the genome. In summary, the available evidence is currently insufficient to determine the role of this variant in disease. Therefore, it has been classified as a Variant of Uncertain Significance.

NC_000015.9:g.(?_72766981)_(72875633_?)dup

Gene: ARIH1 (ariadne RBR E3 ubiquitin protein ligase 1; plus strand). Cytogenetic location: 15q24.1.
Variant type: Duplication.
Identifiers: ClinVar variation 1447675 (VCV001447675.4).